The following is an entry in ClinVar:

NM_007078.3(LDB3):c.1882A>G (p.Thr628Ala)

Gene: LDB3 (LIM domain binding 3; plus strand). Cytogenetic location: 10q23.2.
Variant type: single nucleotide variant.
Coding change: c.1882A>G on transcript NM_007078.3 (MANE Select); coding-DNA position 1882, A replaced by G.
Protein change: p.Thr628Ala; replaces threonine 628 with alanine.
Molecular consequence: missense variant.
Genome position (GRCh38, 1-based): chr10:86,718,751, A>G. VCF-style: chr10-86718751-A-G. GRCh37 (hg19) VCF-style: chr10-88478508-A-G.
Other names: c.1552A>G, p.Thr518Ala (NM_001080114.2); c.1897A>G, p.Thr633Ala (NM_001171610.2); c.1693A>G, p.Thr565Ala (NM_001368064.1, NM_001368065.1); c.1741A>G, p.Thr581Ala (NM_001368066.1); short protein forms T628A, T565A, T518A, T581A, T633A.
Identifiers: ClinVar variation 3664084 (VCV003664084.2).

ClinVar aggregate classification (germline): Uncertain significance (1 of 4 stars; one submission).

Conditions:
Myofibrillar myopathy 4. Also called: Zaspopathy (type). Identifiers: Orphanet 98912, MedGen C4721886, MONDO:0012277, OMIM 609452.

gnomAD v4.1: 2 of 1,614,178 alleles (0.00012%); highest among the groups gnomAD compares: East Asian, 0.0045%; no homozygotes.

Submission:

Labcorp Genetics (formerly Invitae), Labcorp
Classification: Uncertain significance for Myofibrillar myopathy 4. Last evaluated: 2024-08-31. Review status: criteria provided, single submitter. Criteria: Invitae Variant Classification Sherloc (09022015). Collection method: clinical testing. Allele origin: germline.
Comment: The LDB3 gene has multiple clinically relevant transcripts. This variant occurs in alternate transcript NM_007078.3, and corresponds to NM_001080116.1:c.*19377A>G in the primary transcript. This sequence change replaces threonine, which is neutral and polar, with alanine, which is neutral and non-polar, at codon 628 of the LDB3 protein (p.Thr628Ala). This variant is present in population databases (no rsID available, gnomAD 0.006%). This variant has not been reported in the literature in individuals affected with LDB3-related conditions. Experimental studies and prediction algorithms are not available or were not evaluated, and the functional significance of this variant is currently unknown. In summary, the available evidence is currently insufficient to determine the role of this variant in disease. Therefore, it has been classified as a Variant of Uncertain Significance.